The following is an entry in ClinVar:

NM_032043.3(BRIP1):c.3409_3411delinsCAC (p.Tyr1137His)

Gene: BRIP1 (BRCA1 interacting DNA helicase 1; minus strand). Cytogenetic location: 17q23.2.
Variant type: Indel.
Coding change: c.3409_3411delinsCAC on transcript NM_032043.3 (MANE Select); coding-DNA positions 3409 to 3411, TAT replaced by CAC.
Protein change: p.Tyr1137His; replaces tyrosine 1137 with histidine.
Molecular consequence: missense variant.
Genome position (GRCh38, 1-based): chr17:61,683,635-61,683,637, ATA replaced by GTG on the plus strand (TAT replaced by CAC on the coding strand, the reverse complement: BRIP1 is on the minus strand). VCF-style: chr17-61683635-ATA-GTG. GRCh37 (hg19) VCF-style: chr17-59760996-ATA-GTG.
Other names: c.3409_3411delTATinsCAC (NM_032043.2); short protein forms Y1137H.
Identifiers: ClinVar variation 1049276 (VCV001049276.6), dbSNP rs2144077137, ClinGen allele CA2499224774.
Genomic context (GRCh38, chr17:61,683,635, plus strand): 5'-TCTATTTCCTCTATCAGTTTCAGCTAGGTCATTTTTTTCTTCATCTGTATCTTCAGGATC[ATA>GTG]AAGTTCAGGTGTAAAATAGATAGATTCATCTTCTGCTTCTGTTTCAAAATCTCTATTTGA-3'
Protein context (NP_114432.2, residues 1127-1147): DESIYFTPEL[Tyr1137His]DPEDTDEEKN

ClinVar aggregate classification (germline): Uncertain significance. Review status: criteria provided, multiple submitters, no conflicts (2 of 4 stars). 3 submissions from 3 submitters: Uncertain significance (2). 1 of the submissions does not count toward it. Last evaluated 2025-06-04.

Conditions:
Hereditary cancer-predisposing syndrome. Also called: Tumor predisposition; Hereditary neoplastic syndrome; Hereditary Cancer Syndrome; Neoplastic Syndromes, Hereditary. Identifiers: Orphanet 140162, MedGen C0027672, MeSH D009386, MONDO:0015356.

Submissions (3):

Ambry Genetics
Classification: Uncertain significance for Hereditary cancer-predisposing syndrome. Last evaluated: 2025-06-04. Review status: criteria provided, single submitter. Criteria: Ambry Variant Classification Scheme 2023. Collection method: clinical testing. Allele origin: germline.
Comment: The c.3409_3411delTATinsCAC variant (also known as p.Y1137H), located in coding exon 19 of the BRIP1 gene, results from an in-frame deletion of TAT and insertion of CAC at nucleotide positions 3409 to 3411. This results in the substitution of the tyrosine residue for a histidine residue at codon 1137, an amino acid with similar properties. This amino acid position is well conserved in available vertebrate species. In addition, this alteration is predicted to be neutral by in silico analysis (Choi Y et al. PLoS ONE. 2012; 7(10):e46688). Since supporting evidence is limited at this time, the clinical significance of this alteration remains unclear.

GeneDx
Classification: Uncertain significance. Last evaluated: 2020-11-20. Review status: criteria provided, single submitter. Criteria: GeneDx Variant Classification Process June 2021. Collection method: clinical testing. Allele origin: germline. Affected: yes.
Comment: Not observed in large population cohorts (Lek et al., 2016); In silico analysis supports that this variant does not alter protein structure/function; Has not been previously published as pathogenic or benign to our knowledge

Department of Pathology and Laboratory Medicine, Sinai Health System
Classification: Uncertain significance. Review status: no assertion criteria provided. Collection method: clinical testing. Allele origin: unknown. Affected: yes. Study: The Canadian Open Genetics Repository (COGR). Not counted in ClinVar's aggregate classification.
Comment: The BRIP1 p.Tyr1137His variant was not identified in the literature nor was it identified in the dbSNP or ClinVar. The variant was not identified in the following control databases: the Exome Aggregation Consortium (August 8th 2016), or the Genome Aggregation Database (Feb 27, 2017). This variant is an in-frame deletion/insertion resulting in the replacement of a tyrosine (tyr) residue to a histidine (his) at codon 1137; the impact of this alteration on BRIP1 protein function is not known. In summary, based on the above information the clinical significance of this variant cannot be determined with certainty at this time. This variant is classified as a variant of uncertain significance.